The following is an entry in ClinVar:

NM_015488.5(PNKD):c.652C>T (p.Arg218Trp)

Genes: CATIP-AS2 (CATIP antisense RNA 2; minus strand), PNKD (PNKD metallo-beta-lactamase domain containing; plus strand). Cytogenetic location: 2q35.
Variant type: single nucleotide variant.
Coding change: c.652C>T on transcript NM_015488.5 (MANE Select); coding-DNA position 652, C replaced by T.
Protein change: p.Arg218Trp; replaces arginine 218 with tryptophan.
Molecular consequence: missense variant.
Genome position (GRCh38, 1-based): chr2:218,342,015, C>T. VCF-style: chr2-218342015-C-T. GRCh37 (hg19) VCF-style: chr2-219206738-C-T.
Other names: c.580C>T, p.Arg194Trp (NM_022572.5); short protein forms R194W, R218W.
Identifiers: ClinVar variation 1374209 (VCV001374209.7), dbSNP rs34745867, ClinGen allele CA2104055.

ClinVar aggregate classification (germline): Uncertain significance. Review status: criteria provided, multiple submitters, no conflicts (2 of 4 stars). 2 submissions from 2 submitters: Uncertain significance (2). Last evaluated 2026-02-03.

Conditions:
Paroxysmal nonkinesigenic dyskinesia. Also called: Paroxysmal non-kinesigenic dyskinesia. Identifiers: Orphanet 98810, MedGen C1869117, MONDO:0700088.
Inborn genetic diseases. Identifiers: MedGen C0950123, MeSH D030342.

Submissions (2):

Labcorp Genetics (formerly Invitae), Labcorp
Classification: Uncertain significance for Paroxysmal nonkinesigenic dyskinesia. Last evaluated: 2026-02-03. Review status: criteria provided, single submitter. Criteria: Invitae Variant Classification Sherloc (09022015). Collection method: clinical testing. Allele origin: germline.
Comment: This sequence change replaces arginine, which is basic and polar, with tryptophan, which is neutral and slightly polar, at codon 218 of the PNKD protein (p.Arg218Trp). This variant is present in population databases (rs34745867, gnomAD 0.01%). This variant has not been reported in the literature in individuals affected with PNKD-related conditions. ClinVar contains an entry for this variant (Variation ID: 1374209). Invitae Evidence Modeling of protein sequence and biophysical properties (such as structural, functional, and spatial information, amino acid conservation, physicochemical variation, residue mobility, and thermodynamic stability) indicates that this missense variant is not expected to disrupt PNKD protein function with a negative predictive value of 80%. In summary, the available evidence is currently insufficient to determine the role of this variant in disease. Therefore, it has been classified as a Variant of Uncertain Significance.

Ambry Genetics
Classification: Uncertain significance for Inborn genetic diseases. Last evaluated: 2021-11-15. Review status: criteria provided, single submitter. Criteria: Ambry Variant Classification Scheme 2023. Collection method: clinical testing. Allele origin: germline.